The following is an entry in ClinVar:

NM_005228.5(EGFR):c.8C>T (p.Pro3Leu)

Gene: EGFR (epidermal growth factor receptor; plus strand). Cytogenetic location: 7p11.2.
Variant type: single nucleotide variant.
Coding change: c.8C>T on transcript NM_005228.5 (MANE Select); coding-DNA position 8, C replaced by T.
Protein change: p.Pro3Leu; replaces proline 3 with leucine.
Molecular consequence: missense variant.
Genome position (GRCh38, 1-based): chr7:55,019,285, C>T. VCF-style: chr7-55019285-C-T. GRCh37 (hg19) VCF-style: chr7-55086978-C-T.
Other names: c.8C>T (NM_005228.3); c.8C>T, p.Pro3Leu (NM_001346897.2, NM_001346898.2, NM_001346899.2 and 4 more transcripts); short protein forms P3L.
Identifiers: ClinVar variation 1017706 (VCV001017706.10), dbSNP rs749433287, ClinGen allele CA4265097.

ClinVar aggregate classification (germline): Conflicting classifications of pathogenicity. Review status: criteria provided, conflicting classifications (1 of 4 stars). 3 submissions from 3 submitters: Uncertain significance (2); Likely benign (1). Last evaluated 2025-08-28.

Conditions:
Lung cancer. Also called: Lung cancer, somatic; Malignant tumor of lung. Identifiers: MedGen C0242379, MONDO:0008903, OMIM 211980.
Inflammatory skin and bowel disease, neonatal, 2 (NNCIS). Identifiers: Orphanet 294023, MedGen C4015130, MONDO:0014481, OMIM 616069.
Hereditary cancer-predisposing syndrome. Also called: Tumor predisposition; Neoplastic Syndromes, Hereditary; Hereditary neoplastic syndrome; Hereditary Cancer Syndrome. Identifiers: Orphanet 140162, MedGen C0027672, MeSH D009386, MONDO:0015356.
EGFR-related lung cancer (EGFR). Identifiers: MedGen CN130014.

Allele frequency attached by ClinVar (database versions not stated): gnomAD exomes below 0.00001 and 0.00001; TOPMed below 0.00001; ExAC 0.00003.
gnomAD v4.1: 3 of 1,505,008 alleles (0.0002%); highest among the groups gnomAD compares: Non-Finnish European, 0.00027%; no homozygotes.

Submissions (3):

Labcorp Genetics (formerly Invitae), Labcorp
Classification: Uncertain significance for EGFR-related lung cancer. Last evaluated: 2025-08-28. Review status: criteria provided, single submitter. Criteria: Invitae Variant Classification Sherloc (09022015). Collection method: clinical testing. Allele origin: germline.
Comment: This sequence change replaces proline, which is neutral and non-polar, with leucine, which is neutral and non-polar, at codon 3 of the EGFR protein (p.Pro3Leu). The frequency data for this variant in the population databases is considered unreliable, as metrics indicate poor data quality at this position in the gnomAD database. This variant has not been reported in the literature in individuals affected with EGFR-related conditions. ClinVar contains an entry for this variant (Variation ID: 1017706). An algorithm developed to predict the effect of missense changes on protein structure and function outputs the following: PolyPhen-2: "Benign". The leucine amino acid residue is found in multiple mammalian species, which suggests that this missense change does not adversely affect protein function. In summary, the available evidence is currently insufficient to determine the role of this variant in disease. Therefore, it has been classified as a Variant of Uncertain Significance.

Ambry Genetics
Classification: Likely benign for Hereditary cancer-predisposing syndrome. Last evaluated: 2025-08-15. Review status: criteria provided, single submitter. Criteria: Ambry Variant Classification Scheme 2023. Collection method: clinical testing. Allele origin: germline.

Fulgent Genetics
Classification: Uncertain significance for Lung cancer; Inflammatory skin and bowel disease, neonatal, 2. Last evaluated: 2024-03-19. Review status: criteria provided, single submitter. Criteria: ACMG Guidelines, 2015. Collection method: clinical testing. Allele origin: germline.